The following is an entry in ClinVar:

ClinVar aggregate classification (germline): Uncertain significance (1 of 4 stars; one submission).

Conditions:
Early-infantile DEE. Also called: Ohtahara syndrome; Early infantile epileptic encephalopathy with suppression bursts; Early infantile epileptic encephalopathy. Identifiers: Orphanet 1934, MedGen C0393706, MONDO:0800491.

Submission:

Labcorp Genetics (formerly Invitae), Labcorp
Classification: Uncertain significance for Early-infantile DEE. Last evaluated: 2024-11-25. Review status: criteria provided, single submitter. Criteria: Invitae Variant Classification Sherloc (09022015). Collection method: clinical testing. Allele origin: germline.
Comment: This sequence change replaces leucine, which is neutral and non-polar, with proline, which is neutral and non-polar, at codon 1953 of the SCN1A protein (p.Leu1953Pro). This variant is present in population databases (no rsID available, gnomAD 0.0009%). This variant has not been reported in the literature in individuals affected with SCN1A-related conditions. Invitae Evidence Modeling of protein sequence and biophysical properties (such as structural, functional, and spatial information, amino acid conservation, physicochemical variation, residue mobility, and thermodynamic stability) indicates that this missense variant is not expected to disrupt SCN1A protein function with a negative predictive value of 95%. In summary, the available evidence is currently insufficient to determine the role of this variant in disease. Therefore, it has been classified as a Variant of Uncertain Significance.

NM_001165963.4(SCN1A):c.5858T>C (p.Leu1953Pro)

Genes: SCN1A (sodium voltage-gated channel alpha subunit 1; minus strand), LOC102724058 (uncharacterized LOC102724058; plus strand). Cytogenetic location: 2q24.3.
Variant type: single nucleotide variant.
Coding change: c.5858T>C on transcript NM_001165963.4 (MANE Select); coding-DNA position 5858, T replaced by C.
Protein change: p.Leu1953Pro; replaces leucine 1953 with proline.
Molecular consequence: missense variant. On other transcripts: non-coding transcript variant (1).
Genome position (GRCh38, 1-based): chr2:165,991,417, A>G on the plus strand (T>C on the coding strand, the complement: SCN1A is on the minus strand). VCF-style: chr2-165991417-A-G. GRCh37 (hg19) VCF-style: chr2-166847927-A-G.
Other names: c.5774T>C, p.Leu1925Pro (NM_001353957.2, NM_001353958.2, NM_001165964.3); c.5771T>C, p.Leu1924Pro (NM_001353960.2); c.3416T>C, p.Leu1139Pro (NM_001353961.2); c.5825T>C, p.Leu1942Pro (NM_006920.6, NM_001353949.2, NM_001353950.2 and 2 more transcripts); c.5858T>C, p.Leu1953Pro (NM_001202435.3, NM_001353948.2); c.5822T>C, p.Leu1941Pro (NM_001353954.2, NM_001353955.2); short protein forms L1941P, L1942P, L1139P, L1924P, L1925P, L1953P.
Identifiers: ClinVar variation 3690849 (VCV003690849.2).
Genomic context (GRCh38, chr2:165,991,417, plus strand): 5'-GTTTTTTCTGTAATAGAGTTTTCATTTATTCTGTCAATTATCATGTCTTCTTTTATAAGA[A>G]GATTAGCCCCACCTTTGATTTTGTTTTTATTGTACGTAAAGGAAGCTTGTTTTACAGTTC-3'
Protein context (NP_001159435.1, residues 1943-1963): NKNKIKGGAN[Leu1953Pro]LIKEDMIIDR